The following is an entry in ClinVar:

ClinVar aggregate classification (germline): Benign (1 of 4 stars; one submission).

Allele frequency attached by ClinVar (database versions not stated): 1000 Genomes Project 30x 0.57886; 1000 Genomes Project 0.58227; ESP Exome Variant Server 0.61455; TOPMed 0.62043; gnomAD 0.62475; ExAC 0.64750; gnomAD exomes 0.67802.
gnomAD v4.1: 863,897 of 1,286,976 alleles (67%); highest among the groups gnomAD compares: Non-Finnish European, 70%; 292,348 homozygotes.

Submission:

Unidad de Genómica Garrahan, Hospital de Pediatría Garrahan
Classification: Benign. Last evaluated: 2024-01-24. Review status: criteria provided, single submitter. Criteria: ACMG Guidelines, 2015. Collection method: clinical testing. Allele origin: germline. Affected: no. Observed: 85 variant alleles.
Comment: This variant is classified as Benign based on local population frequency. This variant was detected in 89% of patients studied by a panel of primary immunodeficiencies. Number of patients: 85. Only high quality variants are reported.

NM_016216.4(DBR1):c.715-52T>C

Gene: DBR1 (debranching RNA lariats 1; minus strand). Cytogenetic location: 3q22.3.
Variant type: single nucleotide variant.
Coding change: c.715-52T>C on transcript NM_016216.4 (MANE Select); 52 bases into the intron before coding-DNA position 715, T replaced by C.
Molecular consequence: intron variant.
Genome position (GRCh38, 1-based): chr3:138,163,910, A>G on the plus strand (T>C on the coding strand, the complement: DBR1 is on the minus strand). VCF-style: chr3-138163910-A-G. GRCh37 (hg19) VCF-style: chr3-137882752-A-G.
Identifiers: ClinVar variation 2687949 (VCV002687949.2), dbSNP rs2622733, ClinGen allele CA2635808.